The following is an entry in ClinVar:

ClinVar aggregate classification (germline): Likely pathogenic (1 of 4 stars; one submission).

Conditions:
Hereditary cancer-predisposing syndrome. Also called: Neoplastic Syndromes, Hereditary; Tumor predisposition; Hereditary neoplastic syndrome; Hereditary Cancer Syndrome. Identifiers: Orphanet 140162, MedGen C0027672, MeSH D009386, MONDO:0015356.

Submission:

Ambry Genetics
Classification: Likely pathogenic for Hereditary cancer-predisposing syndrome. Last evaluated: 2026-07-21. Review status: criteria provided, single submitter. Criteria: Ambry Variant Classification Scheme 2023. Collection method: clinical testing. Allele origin: germline.
Comment: The p.G130V variant (also known as c.389G>T), located in coding exon 4 of the FH gene, results from a G to T substitution at nucleotide position 389. This variant was reported in at least one individuals with features consistent with FH-related tumor predisposition (Ambry internal data). The glycine at codon 130 is replaced by valine, an amino acid with dissimilar properties. This amino acid position is conserved. In addition, this alteration is predicted to be deleterious by in silico analysis. This variant is considered to be rare based on population cohorts in the Genome Aggregation Database (gnomAD). Based on the majority of available evidence to date, this variant is likely to be pathogenic.

NM_000143.4(FH):c.389G>T (p.Gly130Val)

Gene: FH (fumarate hydratase; minus strand). Cytogenetic location: 1q43.
Variant type: single nucleotide variant.
Coding change: c.389G>T on transcript NM_000143.4 (MANE Select); coding-DNA position 389, G replaced by T.
Protein change: p.Gly130Val; replaces glycine 130 with valine.
Molecular consequence: missense variant.
Genome position (GRCh38, 1-based): chr1:241,512,133, C>A on the plus strand (G>T on the coding strand, the complement: FH is on the minus strand). VCF-style: chr1-241512133-C-A. GRCh37 (hg19) VCF-style: chr1-241675433-C-A.
Other names: short protein forms G130V.
Identifiers: ClinVar variation 5021767 (VCV005021767.1).